The following is an entry in ClinVar:

Conditions:
Breast-ovarian cancer, familial, susceptibility to, 1 (BROVCA1). Also called: BRCA1 Hereditary Breast and Ovarian Cancer; OVARIAN CANCER, SUSCEPTIBILITY TO. Identifiers: Orphanet 145, MedGen C2676676, MONDO:0011450, OMIM 604370. Disease mechanism: loss of function.

Submission:

Brotman Baty Institute, University of Washington
No classification provided (evidence only). Condition: Breast-ovarian cancer, familial 1. Review status: no classification provided. Collection method: in vitro. Allele origin: not applicable. Functional consequence: functionally_normal.
ClinVar note: "not provided" was previously submitted as the classification for the variant. However, the classification appeared to be based only on an observation of functional data so it was converted to no classification on 2025-07-30.

NM_007294.4(BRCA1):c.5193+25A>G

Gene: BRCA1 (BRCA1 DNA repair associated; minus strand). Cytogenetic location: 17q21.31.
Variant type: single nucleotide variant.
Coding change: c.5193+25A>G on transcript NM_007294.4 (MANE Select); 25 bases into the intron after coding-DNA position 5193, A replaced by G.
Molecular consequence: intron variant.
Genome position (GRCh38, 1-based): chr17:43,063,308, T>C on the plus strand (A>G on the coding strand, the complement: BRCA1 is on the minus strand). VCF-style: chr17-43063308-T-C. GRCh37 (hg19) VCF-style: chr17-41215325-T-C.
Other names: c.5049+25A>G (NM_001407750.1, NM_001407732.1, NM_001407733.1 and 21 more transcripts); c.5052+25A>G (NM_001407698.1, NM_001407942.1, NM_001407694.1 and 13 more transcripts); c.1803+25A>G (NM_001408413.1, NM_001408416.1, NM_001408414.1 and 2 more transcripts); c.5109+25A>G (NM_001407660.1, NM_001407661.1, NM_001407663.1 and 2 more transcripts); c.1680+25A>G (NM_001408476.1, NM_001408475.1); c.1683+25A>G (NM_001408474.1); c.4992+25A>G (NM_001407862.1); c.1872+25A>G (NM_001408409.1); and 72 more.
Identifiers: ClinVar variation 868155 (VCV000868155.3), dbSNP rs2051848302, ClinGen allele CA916079982.